The following is an entry in ClinVar:

NM_000553.6(WRN):c.2230G>A (p.Gly744Arg)

Gene: WRN (WRN RecQ like helicase; plus strand). Cytogenetic location: 8p12.
Variant type: single nucleotide variant.
Coding change: c.2230G>A on transcript NM_000553.6 (MANE Select); coding-DNA position 2230, G replaced by A.
Protein change: p.Gly744Arg; replaces glycine 744 with arginine.
Molecular consequence: missense variant.
Genome position (GRCh38, 1-based): chr8:31,111,756, G>A. VCF-style: chr8-31111756-G-A. GRCh37 (hg19) VCF-style: chr8-30969272-G-A.
Other names: short protein forms G744R.
Identifiers: ClinVar variation 2916951 (VCV002916951.3), dbSNP rs2535969273, ClinGen allele CA370912851.

ClinVar aggregate classification (germline): Uncertain significance (1 of 4 stars; one submission).

Conditions:
Werner syndrome (WRN). Identifiers: Orphanet 902, MedGen C0043119, MONDO:0010196, OMIM 277700.

Submission:

Labcorp Genetics (formerly Invitae), Labcorp
Classification: Uncertain significance for Werner syndrome. Last evaluated: 2023-03-16. Review status: criteria provided, single submitter. Criteria: Invitae Variant Classification Sherloc (09022015). Collection method: clinical testing. Allele origin: germline.
Comment: In summary, the available evidence is currently insufficient to determine the role of this variant in disease. Therefore, it has been classified as a Variant of Uncertain Significance. An algorithm developed to predict the effect of missense changes on protein structure and function (PolyPhen-2) suggests that this variant is likely to be disruptive. This variant has not been reported in the literature in individuals affected with WRN-related conditions. This variant is not present in population databases (gnomAD no frequency). This sequence change replaces glycine, which is neutral and non-polar, with arginine, which is basic and polar, at codon 744 of the WRN protein (p.Gly744Arg).